The following is an entry in ClinVar:

NM_000257.4(MYH7):c.2916G>C (p.Glu972Asp)

Gene: MYH7 (myosin heavy chain 7; minus strand). Cytogenetic location: 14q11.2.
Variant type: single nucleotide variant.
Coding change: c.2916G>C on transcript NM_000257.4 (MANE Select); coding-DNA position 2916, G replaced by C.
Protein change: p.Glu972Asp; replaces glutamic acid 972 with aspartic acid.
Molecular consequence: missense variant.
Genome position (GRCh38, 1-based): chr14:23,423,913, C>G on the plus strand (G>C on the coding strand, the complement: MYH7 is on the minus strand). VCF-style: chr14-23423913-C-G. GRCh37 (hg19) VCF-style: chr14-23893122-C-G.
Other names: c.2916G>C (NM_000257.3, NM_000257.2); short protein forms E972D.
Identifiers: ClinVar variation 1018988 (VCV001018988.11), dbSNP rs141191984, ClinGen allele CA257818865.
Genomic context (GRCh38, chr14:23,423,913, plus strand): 5'-TGGTCTGAGAGTCCTGATGAGACCCGGGCTGGAGCCAAAGGGAGCTGCCCTTACCTTGTT[C>G]TCTGTTGCGTGTTTCTCCTTCTCCACTTTGGCCAGTGTCAGCTCCAGATCATCGATGTCC-3'
Protein context (NP_000248.2, residues 962-982): AKVEKEKHAT[Glu972Asp]NKVKNLTEEM

ClinVar aggregate classification (germline): Uncertain significance. Review status: criteria provided, multiple submitters, no conflicts (2 of 4 stars). 5 submissions from 5 submitters: Uncertain significance (5). Last evaluated 2026-09-08.

Conditions:
Cardiomyopathy (CMYO). Also called: Cardiomyopathies. Identifiers: Orphanet 167848, MedGen C0878544, MONDO:0004994, HP:0001638. Inheritance: Various modes of inheritance.
MYH7-related disorder. Also called: MYH7-related condition; MYH7-related disease; MYH7-related disorders.
Hypertrophic cardiomyopathy. Also called: HYPERTROPHIC MYOCARDIOPATHY. Identifiers: Orphanet 217569, MedGen C0007194, MeSH D002312, MONDO:0005045, HP:0001639.
Cardiovascular phenotype. Identifiers: MedGen CN230736.

Allele frequency attached by ClinVar (database versions not stated): gnomAD exomes below 0.00001; gnomAD 0.00001 and 0.00002; TOPMed 0.00002; ESP Exome Variant Server 0.00008.
gnomAD v4.1: 4 of 1,613,946 alleles (0.00025%); highest among the groups gnomAD compares: African/African-American, 0.004%; no homozygotes.

Submissions (5):

PreventionGenetics, part of Exact Sciences
Classification: Uncertain significance for MYH7-related condition. Last evaluated: 2026-09-08. Review status: criteria provided, single submitter. Criteria: ACMG Guidelines, 2015. Collection method: clinical testing. Allele origin: germline.
Comment: The MYH7 c.2916G>C variant is predicted to result in the amino acid substitution p.Glu972Asp. This variant has been reported in an individual with hypertrophic cardiomyopathy who also carried additional variants in other cardiac-related genes (Online supplementary file 2, van Lint et al. 2019. PubMed ID: 30847666). This variant has not been reported in a large population database (gnomAD), indicating this variant is rare. At this time, the clinical significance of this variant is uncertain due to the absence of conclusive functional and genetic evidence.

Labcorp Genetics (formerly Invitae), Labcorp
Classification: Uncertain significance for Hypertrophic cardiomyopathy. Last evaluated: 2025-08-29. Review status: criteria provided, single submitter. Criteria: Invitae Variant Classification Sherloc (09022015). Collection method: clinical testing. Allele origin: germline.
Comment: This sequence change replaces glutamic acid, which is acidic and polar, with aspartic acid, which is acidic and polar, at codon 972 of the MYH7 protein (p.Glu972Asp). This variant is not present in population databases (gnomAD no frequency). This missense change has been observed in individual(s) with dilated cardiomyopathy and/or MYH7-related conditions (PMID: 30847666; internal data). ClinVar contains an entry for this variant (Variation ID: 1018988). Invitae Evidence Modeling of protein sequence and biophysical properties (such as structural, functional, and spatial information, amino acid conservation, physicochemical variation, residue mobility, and thermodynamic stability) indicates that this missense variant is expected to disrupt MYH7 protein function with a positive predictive value of 80%. In summary, the available evidence is currently insufficient to determine the role of this variant in disease. Therefore, it has been classified as a Variant of Uncertain Significance.

GeneDx
Classification: Uncertain significance. Last evaluated: 2024-11-06. Review status: criteria provided, single submitter. Criteria: GeneDx Variant Classification Process June 2021. Collection method: clinical testing. Allele origin: germline. Affected: yes.
Comment: Reported in an individual with HCM, although detailed clinical information was not provided (PMID: 30847666); Not observed at significant frequency in large population cohorts (gnomAD); In silico analysis indicates that this missense variant does not alter protein structure/function; This variant is associated with the following publications: (PMID: 34542152, 30847666)

All of Us Research Program, National Institutes of Health
Classification: Uncertain significance for Cardiomyopathy. Last evaluated: 2024-01-08. Review status: criteria provided, single submitter. Criteria: ACMG Guidelines, 2015. Collection method: clinical testing. Allele origin: germline. Inheritance: Autosomal dominant inheritance. Observed: 2 variant alleles, 2 heterozygotes.
Comment: This missense variant replaces glutamic acid with aspartic acid at codon 972 of the MYH7 protein. Computational prediction is inconclusive regarding the impact of this variant on protein structure and function (internally defined REVEL score threshold 0.5 < inconclusive < 0.7, PMID: 27666373). To our knowledge, functional studies have not been reported for this variant. This variant has been reported in one individual affected with hypertrophic cardiomyopathy (PMID: 30847666). This variant has not been identified in the general population by the Genome Aggregation Database (gnomAD). The available evidence is insufficient to determine the role of this variant in disease conclusively. Therefore, this variant is classified as a Variant of Uncertain Significance.

This study involves interpretation of variants in research participants for the purpose of population health screening. Participant phenotype was not available at the time of variant classification. Additional details can be found in publication PMID: 35346344, PMCID: PMC8962531

Ambry Genetics
Classification: Uncertain significance for Cardiovascular phenotype. Last evaluated: 2022-12-13. Review status: criteria provided, single submitter. Criteria: Ambry Variant Classification Scheme 2023. Collection method: clinical testing. Allele origin: germline.
Comment: The p.E972D variant (also known as c.2916G>C), located in coding exon 21 of the MYH7 gene, results from a G to C substitution at nucleotide position 2916. The glutamic acid at codon 972 is replaced by aspartic acid, an amino acid with highly similar properties. This variant has been detected in an individual submitted for hypertrophic cardiomyopathy genetic testing who had other variants in cardiac-related genes (van Lint FHM et al. Neth Heart J, 2019 Jun;27:304-309). This variant has also been detected in exome cohorts not selected for the presence of cardiovascular disease; however, details were limited (Homburger JR et al. Proc Natl Acad Sci U S A, 2016 Jun;113:6701-6; Park J et al. Hum Mol Genet, 2022 Mar;31:827-837). This amino acid position is highly conserved in available vertebrate species. In addition, the in silico prediction for this alteration is inconclusive. Since supporting evidence is limited at this time, the clinical significance of this alteration remains unclear.

Literature cited by the submitters: PubMed 30847666 (cited by 3 submitters); PubMed 27247418 (cited by Ambry Genetics); PubMed 34542152 (cited by Ambry Genetics).